The following is an entry in ClinVar:

NM_015650.4(TRAF3IP1):c.1499A>G (p.Asn500Ser)

Gene: TRAF3IP1 (TRAF3 interacting protein 1; plus strand). Cytogenetic location: 2q37.3.
Variant type: single nucleotide variant.
Coding change: c.1499A>G on transcript NM_015650.4 (MANE Select); coding-DNA position 1499, A replaced by G.
Protein change: p.Asn500Ser; replaces asparagine 500 with serine.
Molecular consequence: missense variant.
Genome position (GRCh38, 1-based): chr2:238,352,874, A>G. VCF-style: chr2-238352874-A-G. GRCh37 (hg19) VCF-style: chr2-239261515-A-G.
Other names: c.1301A>G, p.Asn434Ser (NM_001139490.1); c.1499A>G (NM_015650.3); short protein forms N434S, N500S.
Identifiers: ClinVar variation 1964914 (VCV001964914.6), dbSNP rs771132134, ClinGen allele CA2198469.

ClinVar aggregate classification (germline): Uncertain significance. Review status: criteria provided, multiple submitters, no conflicts (2 of 4 stars). 2 submissions from 2 submitters: Uncertain significance (2). Last evaluated 2025-03-08.

Conditions:
Inborn genetic diseases. Identifiers: MedGen C0950123, MeSH D030342.

Allele frequency attached by ClinVar (database versions not stated): ExAC 0.00001; gnomAD exomes 0.00001; TOPMed 0.00001.
gnomAD v4.1: 10 of 1,613,750 alleles (0.00062%); highest among the groups gnomAD compares: Middle Eastern, 0.017%; no homozygotes.

Submissions (2):

Ambry Genetics
Classification: Uncertain significance for Inborn genetic diseases. Last evaluated: 2025-03-08. Review status: criteria provided, single submitter. Criteria: Ambry Variant Classification Scheme 2023. Collection method: clinical testing. Allele origin: germline.

Labcorp Genetics (formerly Invitae), Labcorp
Classification: Uncertain significance. Last evaluated: 2022-06-20. Review status: criteria provided, single submitter. Criteria: Invitae Variant Classification Sherloc (09022015). Collection method: clinical testing. Allele origin: germline.
Comment: In summary, the available evidence is currently insufficient to determine the role of this variant in disease. Therefore, it has been classified as a Variant of Uncertain Significance. Algorithms developed to predict the effect of missense changes on protein structure and function are either unavailable or do not agree on the potential impact of this missense change (SIFT: "Tolerated"; PolyPhen-2: "Possibly Damaging"; Align-GVGD: "Class C0"). This variant has not been reported in the literature in individuals affected with TRAF3IP1-related conditions. This variant is present in population databases (rs771132134, gnomAD 0.007%). This sequence change replaces asparagine, which is neutral and polar, with serine, which is neutral and polar, at codon 500 of the TRAF3IP1 protein (p.Asn500Ser).